The following is an entry in ClinVar:

ClinVar aggregate classification (germline): Uncertain significance. Review status: criteria provided, multiple submitters, no conflicts (2 of 4 stars). 2 submissions from 2 submitters: Uncertain significance (2). Last evaluated 2025-07-02.

Conditions:
Inborn genetic diseases. Identifiers: MedGen C0950123, MeSH D030342.

gnomAD v4.1: 7 of 1,612,488 alleles (0.00043%); highest among the groups gnomAD compares: Non-Finnish European, 0.00059%; no homozygotes.

Submissions (2):

Ambry Genetics
Classification: Uncertain significance for Inborn genetic diseases. Last evaluated: 2025-07-02. Review status: criteria provided, single submitter. Criteria: Ambry Variant Classification Scheme 2023. Collection method: clinical testing. Allele origin: germline.

Labcorp Genetics (formerly Invitae), Labcorp
Classification: Uncertain significance. Last evaluated: 2025-03-22. Review status: criteria provided, single submitter. Criteria: Invitae Variant Classification Sherloc (09022015). Collection method: clinical testing. Allele origin: germline.
Comment: This sequence change replaces glycine, which is neutral and non-polar, with aspartic acid, which is acidic and polar, at codon 723 of the LAMA5 protein (p.Gly723Asp). This variant is present in population databases (no rsID available, gnomAD 0.002%). This variant has not been reported in the literature in individuals affected with LAMA5-related conditions. An algorithm developed to predict the effect of missense changes on protein structure and function (PolyPhen-2) suggests that this variant is likely to be disruptive. In summary, the available evidence is currently insufficient to determine the role of this variant in disease. Therefore, it has been classified as a Variant of Uncertain Significance.

NM_005560.6(LAMA5):c.2168G>A (p.Gly723Asp)

Gene: LAMA5 (laminin subunit alpha 5; minus strand). Cytogenetic location: 20q13.33.
Variant type: single nucleotide variant.
Coding change: c.2168G>A on transcript NM_005560.6 (MANE Select); coding-DNA position 2168, G replaced by A.
Protein change: p.Gly723Asp; replaces glycine 723 with aspartic acid.
Molecular consequence: missense variant.
Genome position (GRCh38, 1-based): chr20:62,336,783, C>T on the plus strand (G>A on the coding strand, the complement: LAMA5 is on the minus strand). VCF-style: chr20-62336783-C-T. GRCh37 (hg19) VCF-style: chr20-60911839-C-T.
Other names: short protein forms G723D.
Identifiers: ClinVar variation 4096264 (VCV004096264.2).
Genomic context (GRCh38, chr20:62,336,783, plus strand): 5'-CTTGGGCTCACCTCAGGAAGGGCAGGATCCACTGGGGCCAGACCGGCAGGGTGGCAAGAG[C>T]CAGCTGTGAAGAGAGGACCATGCCTCGGTCATTTCCCAGTGACCAACCCGGAAGGCCAAG-3'
Protein context (NP_005551.3, residues 713-733): GAYNFPYCEA[Gly723Asp]SCHPAGLAPV